The following is an entry in ClinVar:

ClinVar aggregate classification (germline): Uncertain significance (1 of 4 stars; one submission).

gnomAD v4.1: 1 of 1,593,130 alleles (0.000063%); no homozygotes.

Submission:

Labcorp Genetics (formerly Invitae), Labcorp
Classification: Uncertain significance. Last evaluated: 2025-10-04. Review status: criteria provided, single submitter. Criteria: Invitae Variant Classification Sherloc (09022015). Collection method: clinical testing. Allele origin: germline.
Comment: This sequence change falls in intron 1 of the SLC25A21 gene. It does not directly change the encoded amino acid sequence of the SLC25A21 protein. It affects a nucleotide within the consensus splice site. The frequency data for this variant in the population databases is considered unreliable, as metrics indicate poor data quality at this position in the gnomAD database. This variant has not been reported in the literature in individuals affected with SLC25A21-related conditions. Variants that disrupt the consensus splice site are a relatively common cause of aberrant splicing (PMID: 17576681, 9536098). Algorithms developed to predict the effect of sequence changes on RNA splicing suggest that this variant is not likely to affect RNA splicing. In summary, the available evidence is currently insufficient to determine the role of this variant in disease. Therefore, it has been classified as a Variant of Uncertain Significance.

Literature cited by the submitters: PubMed 17576681; PubMed 9536098.

NM_030631.4(SLC25A21):c.70+4A>T

Genes: SLC25A21 (solute carrier family 25 member 21; minus strand), SLC25A21-AS1 (SLC25A21 antisense RNA 1; plus strand). Cytogenetic location: 14q13.3.
Variant type: single nucleotide variant.
Coding change: c.70+4A>T on transcript NM_030631.4 (MANE Select); 4 bases into the intron after coding-DNA position 70, A replaced by T.
Molecular consequence: intron variant. On other transcripts: non-coding transcript variant (1).
Genome position (GRCh38, 1-based): chr14:37,172,277, T>A on the plus strand (A>T on the coding strand, the complement: SLC25A21 is on the minus strand). VCF-style: chr14-37172277-T-A. GRCh37 (hg19) VCF-style: chr14-37641482-T-A.
Other names: c.70+4A>T (NM_001171170.2).
Identifiers: ClinVar variation 4806781 (VCV004806781.1).